The following is an entry in ClinVar:

NM_000553.6(WRN):c.344C>T (p.Ser115Phe)

Gene: WRN (WRN RecQ like helicase; plus strand). Cytogenetic location: 8p12.
Variant type: single nucleotide variant.
Coding change: c.344C>T on transcript NM_000553.6 (MANE Select); coding-DNA position 344, C replaced by T.
Protein change: p.Ser115Phe; replaces serine 115 with phenylalanine.
Molecular consequence: missense variant.
Genome position (GRCh38, 1-based): chr8:31,064,423, C>T. VCF-style: chr8-31064423-C-T. GRCh37 (hg19) VCF-style: chr8-30921939-C-T.
Other names: short protein forms S115F.
Identifiers: ClinVar variation 1001622 (VCV001001622.5), dbSNP rs1362437279, ClinGen allele CA370914458.
Genomic context (GRCh38, chr8:31,064,423, plus strand): 5'-GCAAAGTTGCACTAATTCAGTTGTGTGTTTCTGAGAGCAAATGTTACTTGTTCCACGTTT[C>T]TTCCATGTCAGGTTGGTATCTCTACATTTCATTTTTATATGGCTGATAATTGTAATATGT-3'
Protein context (NP_000544.2, residues 105-125): SESKCYLFHV[Ser115Phe]SMSVFPQGLK

ClinVar aggregate classification (germline): Uncertain significance (1 of 4 stars; one submission).

Conditions:
Werner syndrome (WRN). Identifiers: Orphanet 902, MedGen C0043119, MONDO:0010196, OMIM 277700.

Allele frequency attached by ClinVar (database versions not stated): gnomAD exomes below 0.00001 and 0.00001; TOPMed below 0.00001; gnomAD 0.00001.
gnomAD v4.1: 7 of 1,613,962 alleles (0.00043%); highest among the groups gnomAD compares: Middle Eastern, 0.016%; no homozygotes.

Submission:

Labcorp Genetics (formerly Invitae), Labcorp
Classification: Uncertain significance for Werner syndrome. Last evaluated: 2025-08-07. Review status: criteria provided, single submitter. Criteria: Invitae Variant Classification Sherloc (09022015). Collection method: clinical testing. Allele origin: germline.
Comment: This sequence change replaces serine, which is neutral and polar, with phenylalanine, which is neutral and non-polar, at codon 115 of the WRN protein (p.Ser115Phe). This variant is present in population databases (no rsID available, gnomAD 0.0009%). This variant has not been reported in the literature in individuals affected with WRN-related conditions. ClinVar contains an entry for this variant (Variation ID: 1001622). An algorithm developed to predict the effect of missense changes on protein structure and function (PolyPhen-2) suggests that this variant is likely to be disruptive. In summary, the available evidence is currently insufficient to determine the role of this variant in disease. Therefore, it has been classified as a Variant of Uncertain Significance.